The following is an entry in ClinVar:

NM_001145860.2(POP1):c.331C>T (p.Arg111Ter)

Gene: POP1 (POP1 ribonuclease P/MRP subunit; plus strand). Cytogenetic location: 8q22.2.
Variant type: single nucleotide variant.
Coding change: c.331C>T on transcript NM_001145860.2 (MANE Select); coding-DNA position 331, C replaced by T.
Protein change: p.Arg111Ter; replaces arginine 111 with a stop codon.
Molecular consequence: nonsense.
Genome position (GRCh38, 1-based): chr8:98,128,385, C>T. VCF-style: chr8-98128385-C-T. GRCh37 (hg19) VCF-style: chr8-99140613-C-T.
Other names: c.331C>T, p.Arg111Ter (NM_001145861.2, NM_015029.3); short protein forms R111*.
Identifiers: ClinVar variation 4901147 (VCV004901147.3).

ClinVar aggregate classification (germline): Conflicting classifications of pathogenicity. Review status: criteria provided, conflicting classifications (1 of 4 stars). 2 submissions from 2 submitters: Likely pathogenic (1); Uncertain significance (1). Last evaluated 2022-11-15.

Conditions:
Anauxetic dysplasia 2 (ANXD2). Identifiers: MedGen C4479357, MONDO:0054561, OMIM 617396.

Submissions (2):

Blueprint Genetics
Classification: Uncertain significance. Last evaluated: 2022-11-15. Review status: criteria provided, single submitter. Criteria: ACMG Guidelines, 2015. Collection method: clinical testing. Allele origin: germline.

Juno Genomics, Hangzhou Juno Genomics, Inc
Classification: Likely pathogenic for Anauxetic dysplasia 2. Review status: criteria provided, single submitter. Criteria: ACMG Guidelines, 2015. Collection method: clinical testing. Allele origin: germline.
Comment: Null variant in a gene where loss of function (LOF) is a known mechanism of disease.;Absent from controls (or at extremely low frequency if recessive) in Genome Aggregation Database.